The following is an entry in ClinVar:

ClinVar aggregate classification (germline): Pathogenic (1 of 4 stars; one submission).

Conditions:
Congenital muscular dystrophy due to integrin alpha-7 deficiency. Also called: MYOPATHY, CONGENITAL, DUE TO INTEGRIN ALPHA-7 DEFICIENCY; Congenital muscular dystrophy with integrin alpha-7 deficiency; Muscular dystrophy, congenital, due to ITGA7 deficiency. Identifiers: Orphanet 34520, MedGen C2750786, MONDO:0013177, OMIM 613204.

Submission:

Labcorp Genetics (formerly Invitae), Labcorp
Classification: Pathogenic for Congenital muscular dystrophy due to integrin alpha-7 deficiency. Last evaluated: 2024-03-16. Review status: criteria provided, single submitter. Criteria: Invitae Variant Classification Sherloc (09022015). Collection method: clinical testing. Allele origin: germline.
Comment: This sequence change creates a premature translational stop signal (p.Asn392Alafs*111) in the ITGA7 gene. It is expected to result in an absent or disrupted protein product. Loss-of-function variants in ITGA7 are known to be pathogenic (PMID: 9590299). This variant is not present in population databases (gnomAD no frequency). This variant has not been reported in the literature in individuals affected with ITGA7-related conditions. For these reasons, this variant has been classified as Pathogenic.

Literature cited by the submitters: PubMed 9590299.

NM_002206.3(ITGA7):c.1173_1182del (p.Asn392fs)

Gene: ITGA7 (integrin subunit alpha 7; minus strand). Cytogenetic location: 12q13.2.
Variant type: Deletion.
Coding change: c.1173_1182del on transcript NM_002206.3 (MANE Select); coding-DNA positions 1173 to 1182, 10 bases deleted (CAACCAAGAT; older notation c.1173_1182delCAACCAAGAT).
Protein change: p.Asn392fs; shifts the reading frame from asparagine 392.
Molecular consequence: frameshift variant. On other transcripts: 5 prime UTR variant (1).
Genome position (GRCh38, 1-based): chr12:55,698,393-55,698,402, ATCTTGGTTG deleted on the plus strand (CAACCAAGAT on the coding strand, the reverse complement: ITGA7 is on the minus strand); deleting any 10 consecutive bases within chr12:55,698,393-55,698,403 gives the same sequence; the c. name uses the placement nearest the transcript's 3' end. VCF-style (leftmost placement, unchanged base first): chr12-55698392-CATCTTGGTTG-C. GRCh37 (hg19) VCF-style: chr12-56092176-CATCTTGGTTG-C.
Other names: c.1185_1194del, p.Asn396fs (NM_001144996.2, NM_001414029.1); c.894_903del, p.Asn299fs (NM_001144997.2); c.846_855del, p.Asn283fs (NM_001367993.1); c.-120_-111del (NM_001367994.1); c.1173_1182del, p.Asn392fs (NM_001374465.1, NM_001414034.1); c.1305_1314del, p.Asn436fs (NM_001410977.1); c.1098_1107del, p.Asn367fs (NM_001414030.1); c.1086_1095del, p.Asn363fs (NM_001414031.1); and 3 more; short protein forms N279fs, N367fs, N392fs, N331fs, N363fs, N396fs, N283fs, N299fs.
Identifiers: ClinVar variation 3689579 (VCV003689579.2).
Genomic context (GRCh38, chr12:55,698,392, plus strand): 5'-ATCCCTCCTGTGGCCCCTCCCTCCCTGAGCCTTTCCAGTTCCCCGTCACACCTGGAAAGC[CATCTTGGTTG>C]AGGTCCCCCAGGACAGCCAGGCTGATCCCGAACATGGAGTCAGGGGAGCCGCAGAGCCGG-3'